The following is an entry in ClinVar:

NM_003119.4(SPG7):c.679C>T (p.Arg227Ter)

Gene: SPG7 (SPG7 matrix AAA peptidase subunit, paraplegin; plus strand). Cytogenetic location: 16q24.3.
Variant type: single nucleotide variant.
Coding change: c.679C>T on transcript NM_003119.4 (MANE Select); coding-DNA position 679, C replaced by T.
Protein change: p.Arg227Ter; replaces arginine 227 with a stop codon.
Molecular consequence: nonsense.
Genome position (GRCh38, 1-based): chr16:89,526,389, C>T. VCF-style: chr16-89526389-C-T. GRCh37 (hg19) VCF-style: chr16-89592797-C-T.
Other names: c.679C>T, p.Arg227Ter (NM_001363850.1, NM_199367.3); c.679C>T (NM_003119.3); short protein forms R227*.
Identifiers: ClinVar variation 280575 (VCV000280575.13), dbSNP rs764791523, ClinGen allele CA8243735.

ClinVar aggregate classification (germline): Pathogenic. Review status: criteria provided, multiple submitters, no conflicts (2 of 4 stars). 7 submissions from 7 submitters: Pathogenic (7). Last evaluated 2023-02-10.

Conditions:
Optic atrophy. Identifiers: MedGen C0029124, MONDO:0003608, HP:0000648.
Inborn genetic diseases. Identifiers: MedGen C0950123, MeSH D030342.
Hereditary spastic paraplegia 7 (SPG7). Also called: Autosomal recessive spastic paraplegia type 7; Spastic paraplegia 7; Hereditary spastic paraplegia Paraplegin type; SPASTIC PARAPLEGIA 7, AUTOSOMAL RECESSIVE, WITH OR WITHOUT CEREBELLAR ATAXIA; SPG7-related neurologic disorder. Identifiers: Orphanet 99013, MedGen C1846564, MONDO:0011803, OMIM 607259.

Allele frequency attached by ClinVar (database versions not stated): ExAC 0.00002; gnomAD 0.00001; TOPMed 0.00001; gnomAD exomes 0.00002.

Submissions (7):

Labcorp Genetics (formerly Invitae), Labcorp
Classification: Pathogenic for Hereditary spastic paraplegia 7. Last evaluated: 2023-02-10. Review status: criteria provided, single submitter. Criteria: Invitae Variant Classification Sherloc (09022015). Collection method: clinical testing. Allele origin: germline.
Comment: This sequence change creates a premature translational stop signal (p.Arg227*) in the SPG7 gene. It is expected to result in an absent or disrupted protein product. Loss-of-function variants in SPG7 are known to be pathogenic (PMID: 21623769, 22964162). This variant is present in population databases (rs764791523, gnomAD 0.006%). This premature translational stop signal has been observed in individual(s) with hereditary spastic paraplegia (PMID: 27077743). ClinVar contains an entry for this variant (Variation ID: 280575). For these reasons, this variant has been classified as Pathogenic.

Ambry Genetics
Classification: Pathogenic for Inborn genetic diseases. Last evaluated: 2022-11-02. Review status: criteria provided, single submitter. Criteria: Ambry Variant Classification Scheme 2023. Collection method: clinical testing. Allele origin: germline.
Comment: The c.679C>T (p.R227*) alteration, located in exon 5 (coding exon 5) of the SPG7 gene, consists of a C to T substitution at nucleotide position 679. This changes the amino acid from a arginine (R) to a stop codon at amino acid position 227. This alteration is expected to result in loss of function by premature protein truncation or nonsense-mediated mRNA decay. Based on data from gnomAD, the T allele has an overall frequency of 0.002% (4/251496) total alleles studied. The highest observed frequency was 0.007% (2/30616) of South Asian alleles. This variant has been reported in conjunction with a second SPG7 variant in an individual with spastic paraplegia; however, the phase of the two variants was not specified (Martinuzzi, 2016; Galatolo, 2021). Based on the available evidence, this alteration is classified as pathogenic.

Victorian Clinical Genetics Services, Murdoch Childrens Research Institute
Classification: Pathogenic for Optic atrophy. Last evaluated: 2022-03-31. Review status: criteria provided, single submitter. Criteria: ACMG Guidelines, 2015. Collection method: clinical testing. Allele origin: germline. Inheritance: Autosomal dominant inheritance. Affected: no.
Comment: Based on the classification scheme VCGS_Germline_v1.3.4, this variant is classified as Pathogenic. Following criteria are met: 0102 - Loss of function is a known mechanism of disease in this gene and is associated with autosomal recessive spastic paraplegia 7 (MIM#607259) and autosomal dominant optical atrophy (MONDO#0003608). There is currently no genotype-phenotype correlation in terms of variant types or location. While missense variants are mostly associated with autosomal dominant optical atrophy, two NMD-predicted variants have also been reported (PMID: 32548275). (I) 0108 - This gene is associated with both recessive and dominant disease. (I) 0201 - Variant is predicted to cause nonsense-mediated decay (NMD) and loss of protein (premature termination codon is located at least 54 nucleotides upstream of the final exon-exon junction). (SP) 0251 - This variant is heterozygous. (I) 0304 - Variant is present in gnomAD <0.01 (v2: 4 heterozygotes, 0 homozygotes.) (SP) 0701 - Other NMD-predicted variants comparable to the one identified in this case have very strong previous evidence for pathogenicity (ClinVar, DECIPHER). (SP) 0802 - This variant has moderate previous evidence of pathogenicity in unrelated individuals. It was one of two heterozygous variants identified in an individual with late onset autosomal recessive spastic paraplegia 7 (MIM#607259; PMID: 34445196) and classified as pathogenic by diagnostic laboratories in ClinVar. (SP) 0905 - No published segregation evidence has been identified for this variant. (I) 1007 - No published functional evidence has been identified for this variant. (I) 1208 - Inheritance information for this variant is not currently available in this individual. (I) Legend: (SP) - Supporting pathogenic, (I) - Information, (SB) - Supporting benign

PROSPAX: an integrated multimodal progression  chart in spastic ataxias, Center for Neurology; Hertie-Institute for Clinical Brain Research
Classification: Pathogenic for Hereditary spastic paraplegia 7. Last evaluated: 2022-01-01. Review status: criteria provided, single submitter. Criteria: ACMG Guidelines, 2015. Collection method: research. Allele origin: germline. Affected: yes. Observed: 3 variant alleles, 3 compound heterozygotes.

Molecular Medicine for Neurodegenerative and Neuromuscular Diseases Unit, IRCCS Fondazione Stella Maris
Classification: Pathogenic for Hereditary spastic paraplegia 7. Last evaluated: 2021-01-04. Review status: criteria provided, single submitter. Criteria: ACMG Guidelines, 2015. Collection method: research. Allele origin: unknown. Affected: yes.

GeneDx
Classification: Pathogenic. Last evaluated: 2016-05-06. Review status: criteria provided, single submitter. Criteria: GeneDx Variant Classification (06012015). Collection method: clinical testing. Allele origin: germline. Affected: yes.
Comment: The R227X pathogenic variant in the SPG7 gene has not been reported previously as a pathogenic variant nor as a benign variant, to our knowledge. This variant is predicted to cause loss of normal protein function either through protein truncation or nonsense-mediated mRNA decay. The R227X variant was not observed in approximately 6500 individuals of European and African American ancestry in the NHLBI Exome Sequencing Project, indicating it is not a common benign variant in these populations. We interpret R227X as a pathogenic variant.

Paris Brain Institute, Inserm - ICM
Classification: Pathogenic for Hereditary spastic paraplegia 7. Review status: criteria provided, single submitter. Criteria: ACMG Guidelines, 2015. Collection method: clinical testing. Allele origin: unknown. Affected: yes. Observed: 1 variant allele.

Literature cited by the submitters: PubMed 21623769 (cited by Labcorp Genetics (formerly Invitae), Labcorp); PubMed 22964162 (cited by Labcorp Genetics (formerly Invitae), Labcorp); PubMed 27077743 (cited by Labcorp Genetics (formerly Invitae), Labcorp and Ambry Genetics); PubMed 34445196 (cited by Ambry Genetics and Victorian Clinical Genetics Services, Murdoch Childrens Research Institute); PubMed 32548275 (cited by Victorian Clinical Genetics Services, Murdoch Childrens Research Institute).